The following is an entry in ClinVar:

ClinVar aggregate classification (germline): Uncertain significance (1 of 4 stars; one submission).

Conditions:
Peroxisome biogenesis disorder 5A (Zellweger) (PBD5A). Identifiers: Orphanet 912, MedGen C3553940, MONDO:0013932, OMIM 614866.

Submission:

Labcorp Genetics (formerly Invitae), Labcorp
Classification: Uncertain significance for Peroxisome biogenesis disorder 5A (Zellweger). Last evaluated: 2022-03-28. Review status: criteria provided, single submitter. Criteria: Invitae Variant Classification Sherloc (09022015). Collection method: clinical testing. Allele origin: germline.
Comment: This sequence change replaces proline, which is neutral and non-polar, with arginine, which is basic and polar, at codon 251 of the PEX2 protein (p.Pro251Arg). This variant is not present in population databases (gnomAD no frequency). This variant has not been reported in the literature in individuals affected with PEX2-related conditions. Algorithms developed to predict the effect of missense changes on protein structure and function (SIFT, PolyPhen-2, Align-GVGD) all suggest that this variant is likely to be disruptive. In summary, the available evidence is currently insufficient to determine the role of this variant in disease. Therefore, it has been classified as a Variant of Uncertain Significance.

NM_000318.3(PEX2):c.752C>G (p.Pro251Arg)

Gene: PEX2 (peroxisomal biogenesis factor 2; minus strand). Cytogenetic location: 8q21.13.
Variant type: single nucleotide variant.
Coding change: c.752C>G on transcript NM_000318.3 (MANE Select); coding-DNA position 752, C replaced by G.
Protein change: p.Pro251Arg; replaces proline 251 with arginine.
Molecular consequence: missense variant.
Genome position (GRCh38, 1-based): chr8:76,983,427, G>C on the plus strand (C>G on the coding strand, the complement: PEX2 is on the minus strand). VCF-style: chr8-76983427-G-C. GRCh37 (hg19) VCF-style: chr8-77895663-G-C.
Other names: c.752C>G, p.Pro251Arg (NM_001079867.2, NM_001172086.2, NM_001172087.2); short protein forms P251R.
Identifiers: ClinVar variation 2118796 (VCV002118796.1), dbSNP rs751219355, ClinGen allele CA371556658.